The following is an entry in ClinVar:

ClinVar aggregate classification (germline): Uncertain significance (1 of 4 stars; one submission).

Conditions:
Hereditary cancer-predisposing syndrome. Also called: Neoplastic Syndromes, Hereditary; Tumor predisposition; Hereditary Cancer Syndrome; Hereditary neoplastic syndrome. Identifiers: Orphanet 140162, MedGen C0027672, MeSH D009386, MONDO:0015356.

Submission:

Ambry Genetics
Classification: Uncertain significance for Hereditary cancer-predisposing syndrome. Last evaluated: 2020-06-11. Review status: criteria provided, single submitter. Criteria: Ambry Variant Classification Scheme 2023. Collection method: clinical testing. Allele origin: germline.
Comment: The p.Q53E variant (also known as c.157C>G), located in coding exon 1 of the MET gene, results from a C to G substitution at nucleotide position 157. The glutamine at codon 53 is replaced by glutamic acid, an amino acid with highly similar properties. This amino acid position is highly conserved in available vertebrate species. In addition, this alteration is predicted to be tolerated by in silico analysis. Since supporting evidence is limited at this time, the clinical significance of this alteration remains unclear.

NM_000245.4(MET):c.157C>G (p.Gln53Glu)

Gene: MET (MET proto-oncogene, receptor tyrosine kinase; plus strand). Cytogenetic location: 7q31.2.
Variant type: single nucleotide variant.
Coding change: c.157C>G on transcript NM_000245.4 (MANE Select); coding-DNA position 157, C replaced by G.
Protein change: p.Gln53Glu; replaces glutamine 53 with glutamic acid.
Molecular consequence: missense variant. On other transcripts: intron variant (1).
Genome position (GRCh38, 1-based): chr7:116,699,241, C>G. VCF-style: chr7-116699241-C-G. GRCh37 (hg19) VCF-style: chr7-116339295-C-G.
Other names: c.157C>G, p.Gln53Glu (NM_001127500.3, NM_001324401.3); c.-91+26664C>G (NM_001324402.2); short protein forms Q53E.
Identifiers: ClinVar variation 1775650 (VCV001775650.2), dbSNP rs2116581752, ClinGen allele CA368968462.